The following is an entry in ClinVar:

NM_002485.5(NBN):c.820G>A (p.Gly274Arg)

Gene: NBN (nibrin; minus strand). Cytogenetic location: 8q21.3.
Variant type: single nucleotide variant.
Coding change: c.820G>A on transcript NM_002485.5 (MANE Select); coding-DNA position 820, G replaced by A.
Protein change: p.Gly274Arg; replaces glycine 274 with arginine.
Molecular consequence: missense variant.
Genome position (GRCh38, 1-based): chr8:89,970,440, C>T on the plus strand (G>A on the coding strand, the complement: NBN is on the minus strand). VCF-style: chr8-89970440-C-T. GRCh37 (hg19) VCF-style: chr8-90982668-C-T.
Other names: c.574G>A, p.Gly192Arg (NM_001024688.3); short protein forms G274R, G192R.
Identifiers: ClinVar variation 185618 (VCV000185618.26), dbSNP rs540837864, ClinGen allele CA192429.
Genomic context (GRCh38, chr8:89,970,440, plus strand): 5'-TTATTGACTGAATCCATTTCTTCTGACAGTCAGGAATTAAGGTCTGTGAGTTTGTTATTC[C>T]TGTATCAACAACACACGTTCCCGGAGCCAAAAAGAAATTATGTTCTTCTTCATTCTCTTC-3'
Protein context (NP_002476.2, residues 264-284): LAPGTCVVDT[Gly274Arg]ITNSQTLIPD

ClinVar aggregate classification (germline): Uncertain significance. Review status: criteria provided, multiple submitters, no conflicts (2 of 4 stars). 5 submissions from 5 submitters: Uncertain significance (4). 1 of the submissions does not count toward it. Last evaluated 2025-02-28.

Conditions:
Hereditary cancer-predisposing syndrome. Also called: Tumor predisposition; Hereditary Cancer Syndrome; Hereditary neoplastic syndrome; Neoplastic Syndromes, Hereditary. Identifiers: Orphanet 140162, MedGen C0027672, MeSH D009386, MONDO:0015356.
Microcephaly, normal intelligence and immunodeficiency (NBS). Also called: IMMUNODEFICIENCY, MICROCEPHALY, AND CHROMOSOMAL INSTABILITY; SEEMANOVA SYNDROME II; Nijmegen breakage syndrome; Microcephaly with normal intelligence immunodeficiency and lymphoreticular malignancies; Nonsyndromal microcephaly autosomal recessive with normal intelligence; Seemanova syndrome 2. Identifiers: Orphanet 647, MedGen C0398791, MONDO:0009623, OMIM 251260.

Allele frequency attached by ClinVar (database versions not stated): gnomAD 0.00001; gnomAD exomes 0.00001; TOPMed 0.00001; ExAC 0.00002; 1000 Genomes Project 30x 0.00016; 1000 Genomes Project 0.00020.

Submissions (5):

Ambry Genetics
Classification: Uncertain significance for Hereditary cancer-predisposing syndrome. Last evaluated: 2025-02-28. Review status: criteria provided, single submitter. Criteria: Ambry Variant Classification Scheme 2023. Collection method: clinical testing. Allele origin: germline.
Comment: The p.G274R variant (also known as c.820G>A), located in coding exon 7 of the NBN gene, results from a G to A substitution at nucleotide position 820. The glycine at codon 274 is replaced by arginine, an amino acid with dissimilar properties. This amino acid position is highly conserved in available vertebrate species. In addition, this alteration is predicted to be deleterious by in silico analysis. Since supporting evidence is limited at this time, the clinical significance of this alteration remains unclear.

GeneDx
Classification: Uncertain significance. Last evaluated: 2024-07-24. Review status: criteria provided, single submitter. Criteria: GeneDx Variant Classification Process June 2021. Collection method: clinical testing. Allele origin: germline. Affected: yes.
Comment: Not observed at significant frequency in large population cohorts (gnomAD); In silico analysis supports that this missense variant has a deleterious effect on protein structure/function; Has not been previously published as pathogenic or benign to our knowledge; This variant is associated with the following publications: (PMID: 30666157, 24894818)

Labcorp Genetics (formerly Invitae), Labcorp
Classification: Uncertain significance for Microcephaly, normal intelligence and immunodeficiency. Last evaluated: 2023-09-26. Review status: criteria provided, single submitter. Criteria: Invitae Variant Classification Sherloc (09022015). Collection method: clinical testing. Allele origin: germline.
Comment: This variant has not been reported in the literature in individuals affected with NBN-related conditions. ClinVar contains an entry for this variant (Variation ID: 185618). An algorithm developed to predict the effect of missense changes on protein structure and function (PolyPhen-2) suggests that this variant is likely to be disruptive. Algorithms developed to predict the effect of sequence changes on RNA splicing suggest that this variant may disrupt the consensus splice site. In summary, the available evidence is currently insufficient to determine the role of this variant in disease. Therefore, it has been classified as a Variant of Uncertain Significance. This variant is present in population databases (rs540837864, gnomAD 0.01%). This sequence change replaces glycine, which is neutral and non-polar, with arginine, which is basic and polar, at codon 274 of the NBN protein (p.Gly274Arg).

Genome-Nilou Lab
Classification: Uncertain significance for Microcephaly, normal intelligence and immunodeficiency. Last evaluated: 2021-11-07. Review status: criteria provided, single submitter. Criteria: ACMG Guidelines, 2015. Collection method: clinical testing. Allele origin: germline. Affected: no.

Natera, Inc.
Classification: Uncertain significance for Nijmegen breakage syndrome. Last evaluated: 2021-01-19. Review status: no assertion criteria provided. Collection method: clinical testing. Allele origin: germline. Not counted in ClinVar's aggregate classification.